The following is an entry in ClinVar:

NM_014822.4(SEC24D):c.2T>C (p.Met1Thr)

Gene: SEC24D (SEC24 homolog D, COPII component; minus strand). Cytogenetic location: 4q26.
Variant type: single nucleotide variant.
Coding change: c.2T>C on transcript NM_014822.4 (MANE Select); coding-DNA position 2, T replaced by C.
Protein change: p.Met1Thr; changes the start codon (methionine 1).
Molecular consequence: missense variant, initiator codon variant.
Genome position (GRCh38, 1-based): chr4:118,833,695, A>G on the plus strand (T>C on the coding strand, the complement: SEC24D is on the minus strand). VCF-style: chr4-118833695-A-G. GRCh37 (hg19) VCF-style: chr4-119754850-A-G.
Other names: c.2T>C, p.Met1Thr (NM_001318066.2); short protein forms M1T.
Identifiers: ClinVar variation 4813750 (VCV004813750.1).

ClinVar aggregate classification (germline): Likely pathogenic (1 of 4 stars; one submission).

Conditions:
Cole-Carpenter syndrome 2 (CLCRP2). Identifiers: Orphanet 2050, MedGen C4225382, MONDO:0014573, OMIM 616294.

Submission:

Variantyx, Inc.
Classification: Likely pathogenic for Cole-Carpenter syndrome 2. Last evaluated: 2025-09-24. Review status: criteria provided, single submitter. Criteria: Variantyx Assertion Criteria 2022. Collection method: clinical testing. Allele origin: germline. Inheritance: Autosomal recessive inheritance. Affected: yes.
Comment: This is a start-loss variant in the SEC24D gene (OMIM: 607186). Pathogenic variants in this gene have been associated with autosomal recessive Cole-Carpenter syndrome 2. This variant results in loss of the initiation codon; however, the use of an alternative initiation codon further downstream cannot be excluded, and a protein of altered length may be produced (PMID: 25683121, 26467156) (PVS1_Moderate). The clinical symptoms reported for this individual are highly specific for autosomal recessive Cole-Carpenter syndrome 2, which has a limited genetic etiology (PP4). This variant has a 0.0017% maximum allele frequency in non-founder control populations (PM2). Based on the current evidence, this variant is classified as likely pathogenic for autosomal recessive Cole-Carpenter syndrome 2.

Literature cited by the submitters: PubMed 25683121; PubMed 26467156.